The following is an entry in ClinVar:

NM_001972.4(ELANE):c.452G>A (p.Cys151Tyr)

Gene: ELANE (elastase, neutrophil expressed; plus strand). Cytogenetic location: 19p13.3.
Variant type: single nucleotide variant.
Coding change: c.452G>A on transcript NM_001972.4 (MANE Select); coding-DNA position 452, G replaced by A.
Protein change: p.Cys151Tyr; replaces cysteine 151 with tyrosine.
Molecular consequence: missense variant.
Genome position (GRCh38, 1-based): chr19:855,649, G>A. VCF-style: chr19-855649-G-A. GRCh37 (hg19) VCF-style: chr19-855649-G-A.
Other names: c.452G>A (LRG_57t1); short protein forms C151Y.
Identifiers: ClinVar variation 535843 (VCV000535843.16), dbSNP rs57246956, ClinGen allele CA303944794.

ClinVar aggregate classification (germline): Pathogenic. Review status: criteria provided, multiple submitters, no conflicts (2 of 4 stars). 4 submissions from 4 submitters: Pathogenic (2). 2 of the submissions do not count toward it. Last evaluated 2025-01-13.

Conditions:
Cyclical neutropenia. Also called: Cyclic hematopoiesis; Cyclic Neutropenia. Identifiers: Orphanet 2686, MedGen C0221023, MONDO:0008090, OMIM 162800, HP:0040289. Disease mechanism: loss of function.
Neutropenia, severe congenital, 1, autosomal dominant. Identifiers: MedGen C1859966, MONDO:0042490, OMIM 202700.

Submissions (4):

Labcorp Genetics (formerly Invitae), Labcorp
Classification: Pathogenic for Neutropenia, severe congenital, 1, autosomal dominant; Cyclical neutropenia. Last evaluated: 2025-01-13. Review status: criteria provided, single submitter. Criteria: Invitae Variant Classification Sherloc (09022015). Collection method: clinical testing. Allele origin: germline.
Comment: This sequence change replaces cysteine, which is neutral and slightly polar, with tyrosine, which is neutral and polar, at codon 151 of the ELANE protein (p.Cys151Tyr). This variant is not present in population databases (gnomAD no frequency). This missense change has been observed in individuals with clinical features of ELANE-related conditions (PMID: 24523240, 25427142). ClinVar contains an entry for this variant (Variation ID: 535843). Invitae Evidence Modeling of protein sequence and biophysical properties (such as structural, functional, and spatial information, amino acid conservation, physicochemical variation, residue mobility, and thermodynamic stability) indicates that this missense variant is expected to disrupt ELANE protein function with a positive predictive value of 95%. This variant disrupts the p.Cys151 amino acid residue in ELANE. Other variant(s) that disrupt this residue have been determined to be pathogenic (PMID: 11675333, 23463630; 17391497.21072829). This suggests that this residue is clinically significant, and that variants that disrupt this residue are likely to be disease-causing. For these reasons, this variant has been classified as Pathogenic.

Baylor Genetics
Classification: Pathogenic for Neutropenia, severe congenital, 1, autosomal dominant. Last evaluated: 2020-08-28. Review status: criteria provided, single submitter. Criteria: ACMG Guidelines, 2015. Collection method: clinical testing. Allele origin: de novo. Affected: yes.
Comment: This variant was determined to be pathogenic according to ACMG Guidelines, 2015 [PMID:25741868].

Laboratory of Immunopathology and Genetics, Medical Laboratory of Pediatric Oncology and Hematology, Central Clinical Hospital of the Medical University of Lodz
Classification: Pathogenic for Neutropenia, severe congenital, 1, autosomal dominant. Last evaluated: 2024-12-01. Review status: no assertion criteria provided. Collection method: clinical testing. Allele origin: germline. Affected: yes. Observed: 1 variant allele. Not counted in ClinVar's aggregate classification.

GeneReviews
No classification provided. Condition: Cyclical neutropenia. Review status: no classification provided. Collection method: literature only. Allele origin: germline. Not counted in ClinVar's aggregate classification.

Literature cited by the submitters: PubMed 24523240 (cited by Labcorp Genetics (formerly Invitae), Labcorp); PubMed 25427142 (cited by Labcorp Genetics (formerly Invitae), Labcorp); PubMed 11675333 (cited by Labcorp Genetics (formerly Invitae), Labcorp and Laboratory of Immunopathology and Genetics, Medical Laboratory of Pediatric Oncology and Hematology, Central Clinical Hospital of the Medical University of Lodz); PubMed 23463630 (cited by Labcorp Genetics (formerly Invitae), Labcorp); PubMed 17391497 (cited by Labcorp Genetics (formerly Invitae), Labcorp); PubMed 21072829 (cited by Labcorp Genetics (formerly Invitae), Labcorp).